The following is an entry in ClinVar:

ClinVar aggregate classification (germline): Pathogenic (1 of 4 stars; one submission).

Conditions:
Hyperprolinemia type 2 (HYRPRO2). Also called: Delta-1-pyrroline-5-carboxylate dehydrogenase deficiency; Deficiency of pyrroline-5-carboxylate reductase; 1-PYRROLINE-5-CARBOXYLATE DEHYDROGENASE DEFICIENCY. Identifiers: Orphanet 79101, MedGen C2931835, MONDO:0009401, OMIM 239510.

Submission:

Labcorp Genetics (formerly Invitae), Labcorp
Classification: Pathogenic for Hyperprolinemia type 2. Last evaluated: 2022-08-18. Review status: criteria provided, single submitter. Criteria: Invitae Variant Classification Sherloc (09022015). Collection method: clinical testing. Allele origin: germline.
Comment: For these reasons, this variant has been classified as Pathogenic. This variant disrupts a region of the ALDH4A1 protein in which other variant(s) (p.Gly521Trpfs*10) have been determined to be pathogenic (PMID: 9700195). This suggests that this is a clinically significant region of the protein, and that variants that disrupt it are likely to be disease-causing. This variant has not been reported in the literature in individuals affected with ALDH4A1-related conditions. This variant is a gross deletion of the genomic region encompassing exon(s) 14-15 of the ALDH4A1 gene, which includes the termination codon. This deletion extends beyond the assayed region for this gene and therefore may encompass additional genes. While this deletion is not anticipated to lead to nonsense mediated decay, it is expected to alter mRNA translation or result in a truncated protein product.

Literature cited by the submitters: PubMed 9700195.

NC_000001.10:g.(?_19199339)_(19201095_?)del

Gene: ALDH4A1 (aldehyde dehydrogenase 4 family member A1; minus strand). Cytogenetic location: 1p36.13.
Variant type: Deletion.
Identifiers: ClinVar variation 2424756 (VCV002424756.4).